The following is an entry in ClinVar:

ClinVar aggregate classification (germline): Pathogenic (1 of 4 stars; one submission).

Conditions:
Ehlers-Danlos syndrome due to tenascin-X deficiency (EDSCLL1). Also called: EDS DUE TO TNX DEFICIENCY; TNX DEFICIENCY; Ehlers-Danlos syndrome, classic-like, 1; EHLERS-DANLOS SYNDROME, CLASSIC-LIKE; TNXB-Related Classical-Like Ehlers-Danlos Syndrome. Identifiers: Orphanet 230839, MedGen C1848029, MONDO:0011670, OMIM 606408.

Submission:

Myriad Genetics, Inc.
Classification: Pathogenic for Ehlers-Danlos syndrome due to tenascin-X deficiency. Last evaluated: 2026-01-16. Review status: criteria provided, single submitter. Criteria: Myriad Autosomal Dominant, Autosomal Recessive and X-Linked Classification Criteria (2023). Collection method: clinical testing. Allele origin: unknown.
Comment: NM_019105.6(TNXB):c.5666delT(V1889Gfs*15) is expected to be pathogenic in the context of classical-like Ehlers-Danlos syndrome, TNXB-related. This variant is predicted to lead to an abnormal or absent protein product due to the creation of a premature termination codon in TNXB, a gene where loss-of-function variants are known to be pathogenic. Please note: this variant was assessed in the context of healthy population screening.

NM_001365276.2(TNXB):c.5666del (p.Val1889fs)

Gene: TNXB (tenascin XB; minus strand). Cytogenetic location: 6p21.33.
Variant type: Deletion.
Coding change: c.5666del on transcript NM_001365276.2 (MANE Select); coding-DNA position 5666, one base deleted (T; older notation c.5666delT).
Protein change: p.Val1889fs; shifts the reading frame from valine 1889.
Molecular consequence: frameshift variant.
Genome position (GRCh38, 1-based): chr6:32,069,058, A deleted on the plus strand (T on the coding strand, the reverse complement: TNXB is on the minus strand). VCF-style (leftmost placement, unchanged base first): chr6-32069057-CA-C. GRCh37 (hg19) VCF-style: chr6-32036834-CA-C.
Other names: c.6407del, p.Val2136fs (NM_001428335.1); c.5666del, p.Val1889fs (NM_019105.8); short protein forms V1889fs, V2136fs.
Identifiers: ClinVar variation 5015427 (VCV005015427.1).